The following is an entry in ClinVar:

ClinVar aggregate classification (germline): Uncertain significance (1 of 4 stars; one submission).

Allele frequency attached by ClinVar (database versions not stated): gnomAD exomes below 0.00001.
gnomAD v4.1: 4 of 1,535,892 alleles (0.00026%); highest among the groups gnomAD compares: Non-Finnish European, 0.00035%; no homozygotes.

Submission:

GeneDx
Classification: Uncertain significance. Last evaluated: 2022-03-23. Review status: criteria provided, single submitter. Criteria: GeneDx Variant Classification Process June 2021. Collection method: clinical testing. Allele origin: germline. Affected: yes.
Comment: Not observed in large population cohorts (gnomAD); In silico analysis supports a deleterious effect on splicing; In silico analysis, which includes protein predictors and evolutionary conservation, supports that this variant does not alter protein structure/function; Has not been previously published as pathogenic or benign to our knowledge

NM_003900.5(SQSTM1):c.116C>T (p.Ala39Val)

Gene: SQSTM1 (sequestosome 1; plus strand). Cytogenetic location: 5q35.3.
Variant type: single nucleotide variant.
Coding change: c.116C>T on transcript NM_003900.5 (MANE Select); coding-DNA position 116, C replaced by T.
Protein change: p.Ala39Val; replaces alanine 39 with valine.
Molecular consequence: missense variant. On other transcripts: intron variant (2).
Genome position (GRCh38, 1-based): chr5:179,821,052, C>T. VCF-style: chr5-179821052-C-T. GRCh37 (hg19) VCF-style: chr5-179248052-C-T.
Other names: c.-47-1906C>T (NM_001142298.2, NM_001142299.2); short protein forms A39V.
Identifiers: ClinVar variation 1307034 (VCV001307034.3), dbSNP rs1378410118, ClinGen allele CA362442395.
Genomic context (GRCh38, chr5:179,821,052, plus strand): 5'-AGATTCGCCGCTTCAGCTTCTGCTGCAGCCCCGAGCCTGAGGCGGAAGCCGAGGCTGCGG[C>T]GGGTCCGGGACCCTGCGAGCGGCTGCTGAGCCGGGTGGCCGCCCTGTTCCCCGCGCTGCG-3'
Protein context (NP_003891.1, residues 29-49): PEPEAEAEAA[Ala39Val]GPGPCERLLS